The following is an entry in ClinVar:

ClinVar aggregate classification (germline): Uncertain significance (1 of 4 stars; one submission).

Submission:

GeneDx
Classification: Uncertain significance. Last evaluated: 2019-11-29. Review status: criteria provided, single submitter. Criteria: GeneDx Variant Classification Process June 2021. Collection method: clinical testing. Allele origin: germline. Affected: yes.
Comment: Not observed in large population cohorts (Lek et al., 2016); In silico analysis, which includes protein predictors and evolutionary conservation, supports a deleterious effect; Has not been previously published as pathogenic or benign to our knowledge

NM_001372066.1(TFAP2A):c.211T>A (p.Ser71Thr)

Gene: TFAP2A (transcription factor AP-2 alpha; minus strand). Cytogenetic location: 6p24.3.
Variant type: single nucleotide variant.
Coding change: c.211T>A on transcript NM_001372066.1 (MANE Select); coding-DNA position 211, T replaced by A.
Protein change: p.Ser71Thr; replaces serine 71 with threonine.
Molecular consequence: missense variant.
Genome position (GRCh38, 1-based): chr6:10,410,176, A>T on the plus strand (T>A on the coding strand, the complement: TFAP2A is on the minus strand). VCF-style: chr6-10410176-A-T. GRCh37 (hg19) VCF-style: chr6-10410409-A-T.
Other names: NM_003220.2:c.205T>A; c.187T>A, p.Ser63Thr (NM_001032280.3); c.193T>A, p.Ser65Thr (NM_001042425.3); short protein forms S63T, S65T, S71T.
Identifiers: ClinVar variation 1310601 (VCV001310601.2), dbSNP rs2113204293, ClinGen allele CA362704923.